The following is an entry in ClinVar:

ClinVar aggregate classification (germline): Uncertain significance (1 of 4 stars; one submission).

Submission:

Labcorp Genetics (formerly Invitae), Labcorp
Classification: Uncertain significance. Last evaluated: 2022-10-29. Review status: criteria provided, single submitter. Criteria: Invitae Variant Classification Sherloc (09022015). Collection method: clinical testing. Allele origin: germline.
Comment: This sequence change replaces lysine, which is basic and polar, with asparagine, which is neutral and polar, at codon 1832 of the NBAS protein (p.Lys1832Asn). This variant is not present in population databases (gnomAD no frequency). This variant has not been reported in the literature in individuals affected with NBAS-related conditions. Advanced modeling of protein sequence and biophysical properties (such as structural, functional, and spatial information, amino acid conservation, physicochemical variation, residue mobility, and thermodynamic stability) performed at Invitae indicates that this missense variant is not expected to disrupt NBAS protein function. In summary, the available evidence is currently insufficient to determine the role of this variant in disease. Therefore, it has been classified as a Variant of Uncertain Significance.

NM_015909.4(NBAS):c.5496A>C (p.Lys1832Asn)

Gene: NBAS (NBAS subunit of NRZ tethering complex; minus strand). Cytogenetic location: 2p24.3.
Variant type: single nucleotide variant.
Coding change: c.5496A>C on transcript NM_015909.4 (MANE Select); coding-DNA position 5496, A replaced by C.
Protein change: p.Lys1832Asn; replaces lysine 1832 with asparagine.
Molecular consequence: missense variant. On other transcripts: non-coding transcript variant (1).
Genome position (GRCh38, 1-based): chr2:15,275,712, T>G on the plus strand (A>C on the coding strand, the complement: NBAS is on the minus strand). VCF-style: chr2-15275712-T-G. GRCh37 (hg19) VCF-style: chr2-15415836-T-G.
Other names: short protein forms K1832N.
Identifiers: ClinVar variation 1719368 (VCV001719368.3), dbSNP rs2528116148, ClinGen allele CA345883077.